The following is an entry in ClinVar:

NM_152564.5(VPS13B):c.8699C>A (p.Pro2900His)

Gene: VPS13B (vacuolar protein sorting 13 homolog B; plus strand). Cytogenetic location: 8q22.2.
Variant type: single nucleotide variant.
Coding change: c.8699C>A on transcript NM_152564.5 (MANE Select); coding-DNA position 8699, C replaced by A.
Protein change: p.Pro2900His; replaces proline 2900 with histidine.
Molecular consequence: missense variant.
Genome position (GRCh38, 1-based): chr8:99,819,489, C>A. VCF-style: chr8-99819489-C-A. GRCh37 (hg19) VCF-style: chr8-100831717-C-A.
Other names: c.8774C>A, p.Pro2925His (NM_017890.5); short protein forms P2900H, P2925H.
Identifiers: ClinVar variation 4998062 (VCV004998062.1).

ClinVar aggregate classification (germline): Uncertain significance (1 of 4 stars; one submission).

Conditions:
VPS13B-related disorder. Also called: VPS13B-related condition.

Submission:

PreventionGenetics, part of Exact Sciences
Classification: Uncertain significance for VPS13B-related condition. Last evaluated: 2025-07-30. Review status: criteria provided, single submitter. Criteria: ACMG Guidelines, 2015. Collection method: clinical testing. Allele origin: germline.
Comment: The VPS13B c.8699C>A variant is predicted to result in the amino acid substitution p.Pro2900His. To our knowledge, this variant has not been reported in the literature or in a large population database (gnomAD), indicating this variant is rare. At this time, the clinical significance of this variant is uncertain due to the absence of conclusive functional and genetic evidence.